The following is an entry in ClinVar:

ClinVar aggregate classification (germline): Pathogenic. Review status: criteria provided, multiple submitters, no conflicts (2 of 4 stars). 7 submissions from 7 submitters: Pathogenic (7). Last evaluated 2024-01-17.

Conditions:
ASPM-related disorder. Also called: ASPM-related condition.
Inborn genetic diseases. Identifiers: MedGen C0950123, MeSH D030342.
Microcephaly 5, primary, autosomal recessive (MCPH5). Also called: ASPM Primary Microcephaly. Identifiers: Orphanet 2512, MedGen C1837501, MONDO:0012106, OMIM 608716.

Submissions (7):

Blueprint Genetics
Classification: Pathogenic for ASPM-related disorders. Last evaluated: 2024-01-17. Review status: criteria provided, single submitter. Criteria: ACMG Guidelines, 2015. Collection method: clinical testing. Allele origin: germline. Affected: yes. Observed: 5 variant alleles.

Genome-Nilou Lab
Classification: Pathogenic for Microcephaly 5, primary, autosomal recessive. Last evaluated: 2023-04-11. Review status: criteria provided, single submitter. Criteria: ACMG Guidelines, 2015. Collection method: clinical testing. Allele origin: germline. Affected: no.

GeneDx
Classification: Pathogenic. Last evaluated: 2022-07-11. Review status: criteria provided, single submitter. Criteria: GeneDx Variant Classification Process June 2021. Collection method: clinical testing. Allele origin: germline. Affected: yes.
Comment: Frameshift variant predicted to result in protein truncation or nonsense mediated decay in a gene for which loss-of-function is a known mechanism of disease; Not observed at a significant frequency in large population cohorts (gnomAD); This variant is associated with the following publications: (PMID: 34402213, 23611254)

Institute of Medical Genetics and Applied Genomics, University Hospital Tübingen
Classification: Pathogenic. Last evaluated: 2020-10-23. Review status: criteria provided, single submitter. Criteria: ACMG Guidelines, 2015. Collection method: clinical testing. Allele origin: germline. Inheritance: Unknown mechanism. Affected: yes.

Child Neurology Department, Hôpital Universitaire de Bruxelles
Classification: Pathogenic for Microcephaly 5, primary, autosomal recessive. Last evaluated: 2020-01-01. Review status: criteria provided, single submitter. Criteria: ACMG Guidelines, 2015. Collection method: clinical testing. Allele origin: inherited. Affected: yes.

Ambry Genetics
Classification: Pathogenic for Inborn genetic diseases. Last evaluated: 2017-12-07. Review status: criteria provided, single submitter. Criteria: Ambry exome assertion method (8-5-2015). Collection method: clinical testing. Allele origin: germline. Affected: yes. Observed: 1 variant allele.

Genetic Services Laboratory, University of Chicago
Classification: Pathogenic for Microcephaly 5, primary, autosomal recessive. Last evaluated: 2013-02-08. Review status: criteria provided, single submitter. Criteria: ACMG Guidelines, 2007. Collection method: clinical testing. Allele origin: germline. Inheritance: Autosomal recessive inheritance. Affected: yes.

Literature cited by the submitters: PubMed 23611254 (cited by Ambry Genetics).

NM_018136.5(ASPM):c.8133_8136del (p.Lys2712fs)

Gene: ASPM (assembly factor for spindle microtubules; minus strand). Cytogenetic location: 1q31.3.
Variant type: Deletion.
Coding change: c.8133_8136del on transcript NM_018136.5 (MANE Select); coding-DNA positions 8133 to 8136, 4 bases deleted (GAAA; older notation c.8133_8136delGAAA).
Protein change: p.Lys2712fs; shifts the reading frame from lysine 2712.
Molecular consequence: frameshift variant. On other transcripts: intron variant (1).
Genome position (GRCh38, 1-based): chr1:197,101,115-197,101,118, TTTC deleted on the plus strand (GAAA on the coding strand, the reverse complement: ASPM is on the minus strand); deleting any 4 consecutive bases within chr1:197,101,115-197,101,121 gives the same sequence; the c. name uses the placement nearest the transcript's 3' end. VCF-style (leftmost placement, unchanged base first): chr1-197101114-TTTTC-T. GRCh37 (hg19) VCF-style: chr1-197070244-TTTTC-T.
Other names: c.8133_8136delGAAA (NM_018136.4); c.4066-4954_4066-4951del (NM_001206846.2); short protein forms K2712fs.
Identifiers: ClinVar variation 157888 (VCV000157888.16), dbSNP rs587783278, ClinGen allele CA271117.